The following is an entry in ClinVar:

NM_001365088.1(SLC12A6):c.667A>G (p.Ile223Val)

Genes: SLC12A6 (solute carrier family 12 member 6; minus strand), LOC129390683 (MPRA-validated peak2292 silencer; plus strand). Cytogenetic location: 15q14.
Variant type: single nucleotide variant.
Coding change: c.667A>G on transcript NM_001365088.1 (MANE Select); coding-DNA position 667, A replaced by G.
Protein change: p.Ile223Val; replaces isoleucine 223 with valine.
Molecular consequence: missense variant.
Genome position (GRCh38, 1-based): chr15:34,257,665, T>C on the plus strand (A>G on the coding strand, the complement: SLC12A6 is on the minus strand). VCF-style: chr15-34257665-T-C. GRCh37 (hg19) VCF-style: chr15-34549866-T-C.
Other names: c.490A>G, p.Ile164Val (NM_001042494.2, NM_001042495.2); c.640A>G, p.Ile214Val (NM_001042496.2); c.622A>G, p.Ile208Val (NM_001042497.2); c.514A>G, p.Ile172Val (NM_005135.2); c.667A>G, p.Ile223Val (NM_133647.2); short protein forms I164V, I172V, I214V, I208V, I223V.
Identifiers: ClinVar variation 1754830 (VCV001754830.8), dbSNP rs202034087, ClinGen allele CA7464525.

ClinVar aggregate classification (germline): Uncertain significance. Review status: criteria provided, multiple submitters, no conflicts (2 of 4 stars). 2 submissions from 2 submitters: Uncertain significance (2). Last evaluated 2025-09-22.

Conditions:
Inborn genetic diseases. Identifiers: MedGen C0950123, MeSH D030342.

Allele frequency attached by ClinVar (database versions not stated): ExAC 0.00003; gnomAD exomes 0.00004; gnomAD 0.00009; TOPMed 0.00009; ESP Exome Variant Server 0.00015.
gnomAD v4.1: 71 of 1,613,694 alleles (0.0044%); highest among the groups gnomAD compares: African/African-American, 0.012%; no homozygotes.

Submissions (2):

Labcorp Genetics (formerly Invitae), Labcorp
Classification: Uncertain significance. Last evaluated: 2025-09-22. Review status: criteria provided, single submitter. Criteria: Invitae Variant Classification Sherloc (09022015). Collection method: clinical testing. Allele origin: germline.
Comment: This sequence change replaces isoleucine, which is neutral and non-polar, with valine, which is neutral and non-polar, at codon 223 of the SLC12A6 protein (p.Ile223Val). This variant is present in population databases (rs202034087, gnomAD 0.01%). This variant has not been reported in the literature in individuals affected with SLC12A6-related conditions. ClinVar contains an entry for this variant (Variation ID: 1754830). Invitae Evidence Modeling of protein sequence and biophysical properties (such as structural, functional, and spatial information, amino acid conservation, physicochemical variation, residue mobility, and thermodynamic stability) indicates that this missense variant is not expected to disrupt SLC12A6 protein function with a negative predictive value of 80%. In summary, the available evidence is currently insufficient to determine the role of this variant in disease. Therefore, it has been classified as a Variant of Uncertain Significance.

Ambry Genetics
Classification: Uncertain significance for Inborn genetic diseases. Last evaluated: 2023-07-30. Review status: criteria provided, single submitter. Criteria: Ambry Variant Classification Scheme 2023. Collection method: clinical testing. Allele origin: germline.